The following is an entry in ClinVar:

ClinVar aggregate classification (germline): Uncertain significance. Review status: criteria provided, multiple submitters, no conflicts (2 of 4 stars). 2 submissions from 2 submitters: Uncertain significance (2). Last evaluated 2026-06-09.

gnomAD v4.1: 27 of 1,280,934 alleles (0.0021%); highest among the groups gnomAD compares: Middle Eastern, 0.069%; no homozygotes.

Submissions (2):

Women's Health and Genetics/Laboratory Corporation of America, LabCorp
Classification: Uncertain significance. Last evaluated: 2026-06-09. Review status: criteria provided, single submitter. Criteria: LabCorp Variant Classification Summary - May 2015. Collection method: clinical testing. Allele origin: germline.
Comment: Variant summary: HCK c.13T>C (p.Ser5Pro) results in a non-conservative amino acid change in the encoded protein sequence. Algorithms developed to predict the effect of missense changes on protein structure and function are either unavailable or do not agree on the potential impact of this missense change. The frequency data for this variant in gnomAD is considered unreliable, as metrics indicate poor data quality at this position. To our knowledge, no occurrence of c.13T>C in individuals affected with HCK-related conditions and no experimental evidence demonstrating its impact on protein function have been reported. ClinVar contains an entry for this variant (Variation ID: 2460095). Based on the evidence outlined above, the variant was classified as uncertain significance.

Ambry Genetics
Classification: Uncertain significance. Last evaluated: 2025-11-24. Review status: criteria provided, single submitter. Criteria: Ambry Variant Classification Scheme 2023. Collection method: clinical testing. Allele origin: germline.

NM_002110.5(HCK):c.13T>C (p.Ser5Pro)

Gene: HCK (HCK proto-oncogene, Src family tyrosine kinase; plus strand). Cytogenetic location: 20q11.21.
Variant type: single nucleotide variant.
Coding change: c.13T>C on transcript NM_002110.5 (MANE Select); coding-DNA position 13, T replaced by C.
Protein change: p.Ser5Pro; replaces serine 5 with proline.
Molecular consequence: missense variant. On other transcripts: 5 prime UTR variant (4).
Genome position (GRCh38, 1-based): chr20:32,052,437, T>C. VCF-style: chr20-32052437-T-C. GRCh37 (hg19) VCF-style: chr20-30640240-T-C.
Other names: c.-51T>C (NM_001172129.3, NM_001172131.3); c.13T>C, p.Ser5Pro (NM_001172130.3); c.-114T>C (NM_001172132.3); c.-115T>C (NM_001172133.3); short protein forms S5P.
Identifiers: ClinVar variation 2460095 (VCV002460095.4), dbSNP rs957448914, ClinGen allele CA313885578.
Genomic context (GRCh38, chr20:32,052,437, plus strand): 5'-AAGTCAGTTTCCCGGCACTGGCACCCCGGAACCTCAGGGGCTGCCGAGCTGGGGGGGCGC[T>C]CAAGCTGCGAGGATCCGGGCTGCCCGCGAGACGAGGAGCGGGCGCCCAGGTGAGTGCCGC-3'
Protein context (NP_002101.2, residues 1-15): MGGR[Ser5Pro]SCEDPGCPRD